The following is an entry in ClinVar:

NM_014822.4(SEC24D):c.1891T>G (p.Ser631Ala)

Gene: SEC24D (SEC24 homolog D, COPII component; minus strand). Cytogenetic location: 4q26.
Variant type: single nucleotide variant.
Coding change: c.1891T>G on transcript NM_014822.4 (MANE Select); coding-DNA position 1891, T replaced by G.
Protein change: p.Ser631Ala; replaces serine 631 with alanine.
Molecular consequence: missense variant.
Genome position (GRCh38, 1-based): chr4:118,744,092, A>C on the plus strand (T>G on the coding strand, the complement: SEC24D is on the minus strand). VCF-style: chr4-118744092-A-C. GRCh37 (hg19) VCF-style: chr4-119665247-A-C.
Other names: c.1894T>G, p.Ser632Ala (NM_001318066.2); short protein forms S632A, S631A.
Identifiers: ClinVar variation 1925232 (VCV001925232.5), dbSNP rs767032021, ClinGen allele CA3057118.

ClinVar aggregate classification (germline): Uncertain significance (1 of 4 stars; one submission).

Allele frequency attached by ClinVar (database versions not stated): TOPMed below 0.00001; gnomAD exomes 0.00001; ExAC 0.00002; gnomAD 0.00002.
gnomAD v4.1: 15 of 1,613,552 alleles (0.00093%); highest among the groups gnomAD compares: Admixed American, 0.0067%; no homozygotes.

Submission:

Labcorp Genetics (formerly Invitae), Labcorp
Classification: Uncertain significance. Last evaluated: 2022-02-13. Review status: criteria provided, single submitter. Criteria: Invitae Variant Classification Sherloc (09022015). Collection method: clinical testing. Allele origin: germline.
Comment: In summary, the available evidence is currently insufficient to determine the role of this variant in disease. Therefore, it has been classified as a Variant of Uncertain Significance. Algorithms developed to predict the effect of missense changes on protein structure and function are either unavailable or do not agree on the potential impact of this missense change (SIFT: "Not Available"; PolyPhen-2: "Benign"; Align-GVGD: "Not Available"). This variant has not been reported in the literature in individuals affected with SEC24D-related conditions. This variant is present in population databases (rs767032021, gnomAD 0.009%). This sequence change replaces serine, which is neutral and polar, with alanine, which is neutral and non-polar, at codon 631 of the SEC24D protein (p.Ser631Ala).